The following is an entry in ClinVar:

NM_006070.6(TFG):c.332A>C (p.Glu111Ala)

Gene: TFG (trafficking from ER to golgi regulator; plus strand). Cytogenetic location: 3q12.2.
Variant type: single nucleotide variant.
Coding change: c.332A>C on transcript NM_006070.6 (MANE Select); coding-DNA position 332, A replaced by C.
Protein change: p.Glu111Ala; replaces glutamic acid 111 with alanine.
Molecular consequence: missense variant.
Genome position (GRCh38, 1-based): chr3:100,728,775, A>C. VCF-style: chr3-100728775-A-C. GRCh37 (hg19) VCF-style: chr3-100447619-A-C.
Other names: c.332A>C, p.Glu111Ala (NM_001007565.2, NM_001195478.2, NM_001195479.2); short protein forms E111A.
Identifiers: ClinVar variation 2941799 (VCV002941799.3), dbSNP rs2472097616, ClinGen allele CA353842496.

ClinVar aggregate classification (germline): Uncertain significance (1 of 4 stars; one submission).

Conditions:
Hereditary motor and sensory neuropathy, Okinawa type (HMSNO). Also called: HEREDITARY MOTOR AND SENSORY NEUROPATHY, PROXIMAL TYPE. Identifiers: Orphanet 90117, MedGen C1858338, MONDO:0011468, OMIM 604484.
Hereditary spastic paraplegia 57. Also called: Spastic paraplegia 57, autosomal recessive. Identifiers: Orphanet 431329, MedGen C3714897, MONDO:0014295, OMIM 615658.

Submission:

Labcorp Genetics (formerly Invitae), Labcorp
Classification: Uncertain significance for Hereditary motor and sensory neuropathy, Okinawa type; Hereditary spastic paraplegia 57. Last evaluated: 2022-11-24. Review status: criteria provided, single submitter. Criteria: Invitae Variant Classification Sherloc (09022015). Collection method: clinical testing. Allele origin: germline.
Comment: This sequence change replaces glutamic acid, which is acidic and polar, with alanine, which is neutral and non-polar, at codon 111 of the TFG protein (p.Glu111Ala). This variant is not present in population databases (gnomAD no frequency). This variant has not been reported in the literature in individuals affected with TFG-related conditions. Advanced modeling of protein sequence and biophysical properties (such as structural, functional, and spatial information, amino acid conservation, physicochemical variation, residue mobility, and thermodynamic stability) performed at Invitae indicates that this missense variant is not expected to disrupt TFG protein function. In summary, the available evidence is currently insufficient to determine the role of this variant in disease. Therefore, it has been classified as a Variant of Uncertain Significance.